The following is an entry in ClinVar:

ClinVar aggregate classification (germline): Uncertain significance (1 of 4 stars; one submission).

Allele frequency attached by ClinVar (database versions not stated): gnomAD exomes below 0.00001.
gnomAD v4.1: 1 of 1,614,210 alleles (0.000062%); highest among the groups gnomAD compares: Non-Finnish European, 0.000085%; no homozygotes.

Submission:

Labcorp Genetics (formerly Invitae), Labcorp
Classification: Uncertain significance. Last evaluated: 2022-08-24. Review status: criteria provided, single submitter. Criteria: Invitae Variant Classification Sherloc (09022015). Collection method: clinical testing. Allele origin: germline.
Comment: This sequence change replaces glutamine, which is neutral and polar, with glutamic acid, which is acidic and polar, at codon 642 of the RFWD3 protein (p.Gln642Glu). This variant is not present in population databases (gnomAD no frequency). This variant has not been reported in the literature in individuals affected with RFWD3-related conditions. Algorithms developed to predict the effect of missense changes on protein structure and function are either unavailable or do not agree on the potential impact of this missense change (SIFT: "Deleterious"; PolyPhen-2: "Possibly Damaging"; Align-GVGD: "Class C0"). In summary, the available evidence is currently insufficient to determine the role of this variant in disease. Therefore, it has been classified as a Variant of Uncertain Significance.

NM_018124.4(RFWD3):c.1924C>G (p.Gln642Glu)

Gene: RFWD3 (ring finger and WD repeat domain 3; minus strand). Cytogenetic location: 16q23.1.
Variant type: single nucleotide variant.
Coding change: c.1924C>G on transcript NM_018124.4 (MANE Select); coding-DNA position 1924, C replaced by G.
Protein change: p.Gln642Glu; replaces glutamine 642 with glutamic acid.
Molecular consequence: missense variant.
Genome position (GRCh38, 1-based): chr16:74,628,497, G>C on the plus strand (C>G on the coding strand, the complement: RFWD3 is on the minus strand). VCF-style: chr16-74628497-G-C. GRCh37 (hg19) VCF-style: chr16-74662395-G-C.
Other names: c.1090C>G, p.Gln364Glu (NM_001370537.1, NM_001370539.1, NM_001370540.1 and 3 more transcripts); c.1924C>G, p.Gln642Glu (NM_001370534.1, NM_001370535.1); c.1747C>G, p.Gln583Glu (NM_001370536.1); short protein forms Q364E, Q642E, Q583E.
Identifiers: ClinVar variation 2106957 (VCV002106957.4), dbSNP rs2543934025, ClinGen allele CA396759730.